The following is an entry in ClinVar:

ClinVar aggregate classification (germline): Uncertain significance (1 of 4 stars; one submission).

Allele frequency attached by ClinVar (database versions not stated): gnomAD exomes below 0.00001.
gnomAD v4.1: 2 of 1,613,648 alleles (0.00012%); highest among the groups gnomAD compares: Middle Eastern, 0.017%; no homozygotes.

Submission:

GeneDx
Classification: Uncertain significance. Last evaluated: 2023-01-26. Review status: criteria provided, single submitter. Criteria: GeneDx Variant Classification Process June 2021. Collection method: clinical testing. Allele origin: germline. Affected: yes.
Comment: Not observed at significant frequency in large population cohorts (gnomAD); Nonsense variant predicted to result in protein truncation in a gene or region of a gene for which loss of function is not a well-established mechanism of disease; Has not been previously published as pathogenic or benign to our knowledge

NM_152703.5(SAMD9L):c.3785C>G (p.Ser1262Ter)

Gene: SAMD9L (sterile alpha motif domain containing 9 like; minus strand). Cytogenetic location: 7q21.2.
Variant type: single nucleotide variant.
Coding change: c.3785C>G on transcript NM_152703.5 (MANE Select); coding-DNA position 3785, C replaced by G.
Protein change: p.Ser1262Ter; replaces serine 1262 with a stop codon.
Molecular consequence: nonsense.
Genome position (GRCh38, 1-based): chr7:93,132,187, G>C on the plus strand (C>G on the coding strand, the complement: SAMD9L is on the minus strand). VCF-style: chr7-93132187-G-C. GRCh37 (hg19) VCF-style: chr7-92761500-G-C.
Other names: c.3785C>G, p.Ser1262Ter (NM_001303496.3, NM_001303497.3, NM_001303498.3 and 5 more transcripts); short protein forms S1262*.
Identifiers: ClinVar variation 2574435 (VCV002574435.1), dbSNP rs2535409348, ClinGen allele CA368180041.